The following is an entry in ClinVar:

ClinVar aggregate classification (germline): Uncertain significance. Review status: criteria provided, multiple submitters, no conflicts (2 of 4 stars). 2 submissions from 2 submitters: Uncertain significance (2). Last evaluated 2025-08-12.

Conditions:
Hereditary cancer-predisposing syndrome. Also called: Hereditary neoplastic syndrome; Neoplastic Syndromes, Hereditary; Hereditary Cancer Syndrome; Tumor predisposition. Identifiers: Orphanet 140162, MedGen C0027672, MeSH D009386, MONDO:0015356.
Familial cancer of breast. Also called: Hereditary breast cancer; hereditary breast carcinoma; BREAST CANCER, FAMILIAL. Identifiers: Orphanet 227535, MedGen C0346153, MONDO:0016419, OMIM 114480. Disease mechanism: loss of function.

Submissions (2):

Ambry Genetics
Classification: Uncertain significance for Hereditary cancer-predisposing syndrome. Last evaluated: 2025-08-12. Review status: criteria provided, single submitter. Criteria: Ambry Variant Classification Scheme 2023. Collection method: clinical testing. Allele origin: germline.

Labcorp Genetics (formerly Invitae), Labcorp
Classification: Uncertain significance for Familial cancer of breast. Last evaluated: 2023-02-26. Review status: criteria provided, single submitter. Criteria: Invitae Variant Classification Sherloc (09022015). Collection method: clinical testing. Allele origin: germline.
Comment: This sequence change replaces leucine, which is neutral and non-polar, with methionine, which is neutral and non-polar, at codon 282 of the BARD1 protein (p.Leu282Met). This variant is not present in population databases (gnomAD no frequency). This variant has not been reported in the literature in individuals affected with BARD1-related conditions. ClinVar contains an entry for this variant (Variation ID: 660512). An algorithm developed to predict the effect of missense changes on protein structure and function (PolyPhen-2) suggests that this variant¬† is likely to be tolerated. In summary, the available evidence is currently insufficient to determine the role of this variant in disease. Therefore, it has been classified as a Variant of Uncertain Significance.

NM_000465.4(BARD1):c.844T>A (p.Leu282Met)

Gene: BARD1 (BRCA1 associated RING domain 1; minus strand). Cytogenetic location: 2q35.
Variant type: single nucleotide variant.
Coding change: c.844T>A on transcript NM_000465.4 (MANE Select); coding-DNA position 844, T replaced by A.
Protein change: p.Leu282Met; replaces leucine 282 with methionine.
Molecular consequence: missense variant. On other transcripts: non-coding transcript variant (2), intron variant (3).
Genome position (GRCh38, 1-based): chr2:214,781,030, A>T on the plus strand (T>A on the coding strand, the complement: BARD1 is on the minus strand). VCF-style: chr2-214781030-A-T. GRCh37 (hg19) VCF-style: chr2-215645754-A-T.
Other names: c.787T>A, p.Leu263Met (NM_001282543.2); c.158+28382T>A (NM_001282548.2); c.215+16031T>A (NM_001282545.2); c.364+11267T>A (NM_001282549.2); short protein forms L282M, L263M.
Identifiers: ClinVar variation 660512 (VCV000660512.16), dbSNP rs1574819001, ClinGen allele CA350455290.